The following is an entry in ClinVar:

ClinVar aggregate classification (germline): Uncertain significance (1 of 4 stars; one submission).

Submission:

Labcorp Genetics (formerly Invitae), Labcorp
Classification: Uncertain significance. Last evaluated: 2022-02-24. Review status: criteria provided, single submitter. Criteria: Invitae Variant Classification Sherloc (09022015). Collection method: clinical testing. Allele origin: germline.
Comment: In summary, the available evidence is currently insufficient to determine the role of this variant in disease. Therefore, it has been classified as a Variant of Uncertain Significance. Algorithms developed to predict the effect of missense changes on protein structure and function are either unavailable or do not agree on the potential impact of this missense change (SIFT: "Deleterious"; PolyPhen-2: "Benign"; Align-GVGD: "Class C65"). This variant has not been reported in the literature in individuals affected with RBP3-related conditions. This variant is present in population databases (rs370922435, gnomAD 0.007%). This sequence change replaces isoleucine, which is neutral and non-polar, with lysine, which is basic and polar, at codon 930 of the RBP3 protein (p.Ile930Lys).

NM_002900.3(RBP3):c.2789T>A (p.Ile930Lys)

Gene: RBP3 (retinol binding protein 3; plus strand). Cytogenetic location: 10q11.22.
Variant type: single nucleotide variant.
Coding change: c.2789T>A on transcript NM_002900.3 (MANE Select); coding-DNA position 2789, T replaced by A.
Protein change: p.Ile930Lys; replaces isoleucine 930 with lysine.
Molecular consequence: missense variant.
Genome position (GRCh38, 1-based): chr10:47,351,273, T>A. VCF-style: chr10-47351273-T-A. GRCh37 (hg19) VCF-style: chr10-48388089-A-T.
Other names: short protein forms I930K.
Identifiers: ClinVar variation 1433091 (VCV001433091.8), dbSNP rs370922435, ClinGen allele CA376675046.
Genomic context (GRCh38, chr10:47,351,273, plus strand): 5'-CTGGTGTGGAGCCCGACATCACTGTGCCCATGAGCGAAGCCCTTTCCATAGCCCAGGACA[T>A]AGTGGCTCTGCGTGCCAAGGTGCCCACGGTGCTGCAGACGGCCGGGAAGCTGGTGGCTGA-3'
Protein context (NP_002891.1, residues 920-940): MSEALSIAQD[Ile930Lys]VALRAKVPTV